The following is an entry in ClinVar:

NM_139276.3(STAT3):c.686A>G (p.Glu229Gly)

Genes: STAT3 (signal transducer and activator of transcription 3; minus strand), LOC130060888 (ATAC-STARR-seq lymphoblastoid active region 12197; plus strand). Cytogenetic location: 17q21.2.
Variant type: single nucleotide variant.
Coding change: c.686A>G on transcript NM_139276.3 (MANE Select); coding-DNA position 686, A replaced by G.
Protein change: p.Glu229Gly; replaces glutamic acid 229 with glycine.
Molecular consequence: missense variant.
Genome position (GRCh38, 1-based): chr17:42,337,546, T>C on the plus strand (A>G on the coding strand, the complement: STAT3 is on the minus strand). VCF-style: chr17-42337546-T-C. GRCh37 (hg19) VCF-style: chr17-40489564-T-C.
Other names: c.608A>G, p.Glu203Gly (NM_001384985.1); c.686A>G, p.Glu229Gly (NM_001384986.1, NM_001384987.1, NM_001384988.1 and 15 more transcripts); c.590A>G, p.Glu197Gly (NM_001384989.1); short protein forms E203G, E229G, E197G.
Identifiers: ClinVar variation 1948153 (VCV001948153.28), dbSNP rs993916477, ClinGen allele CA290742842.

ClinVar aggregate classification (germline): Uncertain significance. Review status: criteria provided, multiple submitters, no conflicts (2 of 4 stars). 4 submissions from 4 submitters: Uncertain significance (4). Last evaluated 2025-08-04.

Conditions:
Inborn genetic diseases. Identifiers: MedGen C0950123, MeSH D030342.
Hyper-IgE recurrent infection syndrome 1, autosomal dominant. Also called: JOB SYNDROME; Hyper-IgE recurrent infection syndrome 1; HYPER-IgE SYNDROME 1, AUTOSOMAL DOMINANT, WITH RECURRENT INFECTIONS; STAT3 Hyper IgE Syndrome; Job's Syndrome. Identifiers: Orphanet 2314, MedGen C2936739, MONDO:0007818, OMIM 147060.
STAT3 gain of function. Identifiers: MedGen C4288261.

Allele frequency attached by ClinVar (database versions not stated): gnomAD exomes below 0.00001.

Submissions (4):

Labcorp Genetics (formerly Invitae), Labcorp
Classification: Uncertain significance for STAT3 gain of function; Hyper-IgE recurrent infection syndrome 1, autosomal dominant. Last evaluated: 2025-08-04. Review status: criteria provided, single submitter. Criteria: Invitae Variant Classification Sherloc (09022015). Collection method: clinical testing. Allele origin: germline.
Comment: This sequence change replaces glutamic acid, which is acidic and polar, with glycine, which is neutral and non-polar, at codon 229 of the STAT3 protein (p.Glu229Gly). This variant is not present in population databases (gnomAD no frequency). This variant has not been reported in the literature in individuals affected with STAT3-related conditions. ClinVar contains an entry for this variant (Variation ID: 1948153). Invitae Evidence Modeling of protein sequence and biophysical properties (such as structural, functional, and spatial information, amino acid conservation, physicochemical variation, residue mobility, and thermodynamic stability) indicates that this missense variant is not expected to disrupt STAT3 protein function with a negative predictive value of 80%. In summary, the available evidence is currently insufficient to determine the role of this variant in disease. Therefore, it has been classified as a Variant of Uncertain Significance.

Ambry Genetics
Classification: Uncertain significance for Inborn genetic diseases. Last evaluated: 2025-06-10. Review status: criteria provided, single submitter. Criteria: Ambry Variant Classification Scheme 2023. Collection method: clinical testing. Allele origin: germline.

CeGaT Center for Human Genetics Tuebingen
Classification: Uncertain significance. Last evaluated: 2024-02-01. Review status: criteria provided, single submitter. Criteria: CeGaT Center For Human Genetics Tuebingen Variant Classification Criteria Version 2. Collection method: clinical testing. Allele origin: germline. Affected: yes. Observed: 1 variant allele.
Comment: STAT3: PM2, PP2

Blueprint Genetics
Classification: Uncertain significance. Last evaluated: 2021-09-14. Review status: criteria provided, single submitter. Criteria: ACMG Guidelines, 2015. Collection method: clinical testing. Allele origin: germline.